The following is an entry in ClinVar:

NM_000455.5(STK11):c.920+9C>A

Gene: STK11 (serine/threonine kinase 11; plus strand). Cytogenetic location: 19p13.3.
Variant type: single nucleotide variant.
Coding change: c.920+9C>A on transcript NM_000455.5 (MANE Select); 9 bases into the intron after coding-DNA position 920, C replaced by A.
Molecular consequence: intron variant.
Genome position (GRCh38, 1-based): chr19:1,222,015, C>A. VCF-style: chr19-1222015-C-A. GRCh37 (hg19) VCF-style: chr19-1222014-C-A.
Identifiers: ClinVar variation 793719 (VCV000793719.11), dbSNP rs757109406, ClinGen allele CA915951595.

ClinVar aggregate classification (germline): Likely benign. Review status: criteria provided, multiple submitters, no conflicts (2 of 4 stars). 2 submissions from 2 submitters: Likely benign (2). Last evaluated 2025-03-28.

Conditions:
Peutz-Jeghers syndrome (PJS). Also called: Peutz-Jeghers polyposis; Periorificial lentiginosis syndrome; POLYPOSIS, HAMARTOMATOUS INTESTINAL; POLYPS-AND-SPOTS SYNDROME. Identifiers: Orphanet 2869, MedGen C0031269, MeSH D010580, MONDO:0008280, OMIM 175200.

Submissions (2):

Myriad Genetics, Inc.
Classification: Likely benign for Peutz-Jeghers syndrome. Last evaluated: 2025-03-28. Review status: criteria provided, single submitter. Criteria: Myriad Autosomal Dominant, Autosomal Recessive and X-Linked Classification Criteria (2023). Collection method: clinical testing. Allele origin: unknown.
Comment: This variant is considered likely benign. This variant is intronic and is not expected to impact mRNA splicing.

Labcorp Genetics (formerly Invitae), Labcorp
Classification: Likely benign for Peutz-Jeghers syndrome. Last evaluated: 2024-04-30. Review status: criteria provided, single submitter. Criteria: Invitae Variant Classification Sherloc (09022015). Collection method: clinical testing. Allele origin: germline.